The following is an entry in ClinVar:

NM_021813.4(BACH2):c.631G>A (p.Asp211Asn)

Gene: BACH2 (BACH transcriptional regulator 2; minus strand). Cytogenetic location: 6q15.
Variant type: single nucleotide variant.
Coding change: c.631G>A on transcript NM_021813.4 (MANE Select); coding-DNA position 631, G replaced by A.
Protein change: p.Asp211Asn; replaces aspartic acid 211 with asparagine.
Molecular consequence: missense variant.
Genome position (GRCh38, 1-based): chr6:89,951,475, C>T on the plus strand (G>A on the coding strand, the complement: BACH2 is on the minus strand). VCF-style: chr6-89951475-C-T. GRCh37 (hg19) VCF-style: chr6-90661194-C-T.
Other names: c.631G>A, p.Asp211Asn (NM_001170794.2); short protein forms D211N.
Identifiers: ClinVar variation 2750734 (VCV002750734.3), dbSNP rs1485542594, ClinGen allele CA365072585.

ClinVar aggregate classification (germline): Uncertain significance (1 of 4 stars; one submission).

Allele frequency attached by ClinVar (database versions not stated): gnomAD exomes below 0.00001; TOPMed below 0.00001.
gnomAD v4.1: 1 of 1,614,232 alleles (0.000062%); highest among the groups gnomAD compares: Admixed American, 0.0017%; no homozygotes.

Submission:

Labcorp Genetics (formerly Invitae), Labcorp
Classification: Uncertain significance. Last evaluated: 2023-08-06. Review status: criteria provided, single submitter. Criteria: Invitae Variant Classification Sherloc (09022015). Collection method: clinical testing. Allele origin: germline.
Comment: This variant has not been reported in the literature in individuals affected with BACH2-related conditions. This variant is present in population databases (no rsID available, gnomAD 0.003%). This sequence change replaces aspartic acid, which is acidic and polar, with asparagine, which is neutral and polar, at codon 211 of the BACH2 protein (p.Asp211Asn). Advanced modeling of protein sequence and biophysical properties (such as structural, functional, and spatial information, amino acid conservation, physicochemical variation, residue mobility, and thermodynamic stability) performed at Invitae indicates that this missense variant is not expected to disrupt BACH2 protein function. In summary, the available evidence is currently insufficient to determine the role of this variant in disease. Therefore, it has been classified as a Variant of Uncertain Significance.